The following is an entry in ClinVar:

NM_144670.6(A2ML1):c.2147A>G (p.Glu716Gly)

Gene: A2ML1 (alpha-2-macroglobulin like 1; plus strand). Cytogenetic location: 12p13.31.
Variant type: single nucleotide variant.
Coding change: c.2147A>G on transcript NM_144670.6 (MANE Select); coding-DNA position 2147, A replaced by G.
Protein change: p.Glu716Gly; replaces glutamic acid 716 with glycine.
Molecular consequence: missense variant.
Genome position (GRCh38, 1-based): chr12:8,850,187, A>G. VCF-style: chr12-8850187-A-G. GRCh37 (hg19) VCF-style: chr12-9002783-A-G.
Other names: c.674A>G, p.Glu225Gly (NM_001282424.3); c.2147A>G (NM_144670.5); short protein forms E716G, E225G.
Identifiers: ClinVar variation 635238 (VCV000635238.16), dbSNP rs770357451, ClinGen allele CA6435928.

ClinVar aggregate classification (germline): Uncertain significance. Review status: criteria provided, multiple submitters, no conflicts (2 of 4 stars). 4 submissions from 4 submitters: Uncertain significance (3). 1 of the submissions does not count toward it. Last evaluated 2025-03-04.

Conditions:
A2ML1-related disorder. Also called: A2ML1-related condition.

Allele frequency attached by ClinVar (database versions not stated): ExAC 0.00005; TOPMed 0.00006; gnomAD exomes 0.00009; gnomAD 0.00001.
gnomAD v4.1: 27 of 1,612,118 alleles (0.0017%); highest among the groups gnomAD compares: Admixed American, 0.04%; no homozygotes.

Submissions (4):

Ambry Genetics
Classification: Uncertain significance. Last evaluated: 2025-03-04. Review status: criteria provided, single submitter. Criteria: Ambry Variant Classification Scheme 2023. Collection method: clinical testing. Allele origin: germline.
Comment: The p.E716G variant (also known as c.2147A>G), located in coding exon 18 of the A2ML1 gene, results from an A to G substitution at nucleotide position 2147. The glutamic acid at codon 716 is replaced by glycine, an amino acid with similar properties. This amino acid position is conserved. In addition, this alteration is predicted to be tolerated by in silico analysis. Since supporting evidence is limited at this time, the clinical significance of this alteration remains unclear.

Labcorp Genetics (formerly Invitae), Labcorp
Classification: Uncertain significance. Last evaluated: 2022-05-08. Review status: criteria provided, single submitter. Criteria: Invitae Variant Classification Sherloc (09022015). Collection method: clinical testing. Allele origin: germline.
Comment: This variant has not been reported in the literature in individuals affected with A2ML1-related conditions. In summary, the available evidence is currently insufficient to determine the role of this variant in disease. Therefore, it has been classified as a Variant of Uncertain Significance. Algorithms developed to predict the effect of missense changes on protein structure and function output the following: SIFT: "Tolerated"; PolyPhen-2: "Benign"; Align-GVGD: "Class C0". The glycine amino acid residue is found in multiple mammalian species, which suggests that this missense change does not adversely affect protein function. ClinVar contains an entry for this variant (Variation ID: 635238). This variant is present in population databases (rs770357451, gnomAD 0.06%), and has an allele count higher than expected for a pathogenic variant. This sequence change replaces glutamic acid, which is acidic and polar, with glycine, which is neutral and non-polar, at codon 716 of the A2ML1 protein (p.Glu716Gly).

Stanford Center for Inherited Cardiovascular Disease, Stanford University
Classification: Uncertain significance. Last evaluated: 2017-06-08. Review status: criteria provided, single submitter. Criteria: ACMG Guidelines, 2015. Collection method: provider interpretation. Allele origin: germline.

PreventionGenetics, part of Exact Sciences
Classification: Likely benign for A2ML1-related condition. Last evaluated: 2024-02-19. Review status: no assertion criteria provided. Collection method: clinical testing. Allele origin: germline. Not counted in ClinVar's aggregate classification.
Comment: This variant is classified as likely benign based on ACMG/AMP sequence variant interpretation guidelines (Richards et al. 2015 PMID: 25741868, with internal and published modifications).